The following is an entry in ClinVar:

NM_000388.4(CASR):c.1696G>A (p.Val566Met)

Gene: CASR (calcium sensing receptor; plus strand). Cytogenetic location: 3q21.1.
Variant type: single nucleotide variant.
Coding change: c.1696G>A on transcript NM_000388.4 (MANE Select); coding-DNA position 1696, G replaced by A.
Protein change: p.Val566Met; replaces valine 566 with methionine.
Molecular consequence: missense variant.
Genome position (GRCh38, 1-based): chr3:122,282,200, G>A. VCF-style: chr3-122282200-G-A. GRCh37 (hg19) VCF-style: chr3-122001047-G-A.
Other names: c.1726G>A, p.Val576Met (NM_001178065.2); short protein forms V566M, V576M.
Identifiers: ClinVar variation 2451455 (VCV002451455.2), dbSNP rs2473272877, ClinGen allele CA354156296.
Genomic context (GRCh38, chr3:122,282,200, plus strand): 5'-TGCCTGGCAGGGACCAGGAAAGGGATCATTGAGGGGGAGCCCACCTGCTGCTTTGAGTGT[G>A]TGGAGTGTCCTGATGGGGAGTATAGTGATGAGACAGGTAAGGGAACCCCTCTTGGGCACT-3'
Protein context (NP_000379.3, residues 556-576): EGEPTCCFEC[Val566Met]ECPDGEYSDE

ClinVar aggregate classification (germline): Uncertain significance (1 of 4 stars; one submission).

Conditions:
Nephrolithiasis/nephrocalcinosis. Identifiers: MedGen CN580796.

Submission:

Ambry Genetics
Classification: Uncertain significance for Nephrolithiasis/nephrocalcinosis. Last evaluated: 2022-12-19. Review status: criteria provided, single submitter. Criteria: Ambry Variant Classification Scheme 2023. Collection method: clinical testing. Allele origin: germline.
Comment: The p.V566M variant (also known as c.1696G>A), located in coding exon 5 of the CASR gene, results from a G to A substitution at nucleotide position 1696. The valine at codon 566 is replaced by methionine, an amino acid with highly similar properties. This amino acid position is conserved. In addition, the in silico prediction for this alteration is inconclusive. Since supporting evidence is limited at this time, the clinical significance of this alteration remains unclear.